The following is an entry in ClinVar:

NM_022051.2(EGLN1):c.-531A>G

Gene: EGLN1 (egl-9 family hypoxia inducible factor 1; minus strand). Cytogenetic location: 1q42.2.
Variant type: single nucleotide variant.
Coding change: c.-531A>G on transcript NM_022051.2; 531 bases upstream of the start codon, A replaced by G.
Genome position (GRCh38, 1-based): chr1:231,422,419, T>C on the plus strand (A>G on the coding strand, the complement: EGLN1 is on the minus strand). VCF-style: chr1-231422419-T-C. GRCh37 (hg19) VCF-style: chr1-231558165-T-C.
Identifiers: ClinVar variation 296208 (VCV000296208.7), dbSNP rs113172460, ClinGen allele CA10610336.

ClinVar aggregate classification (germline): Benign (1 of 4 stars; one submission).

Conditions:
Erythrocytosis, familial, 3 (ECYT3). Identifiers: Orphanet 247511, MedGen C1853286, MONDO:0012353, OMIM 609820.

Allele frequency attached by ClinVar (database versions not stated): TOPMed 0.03133; 1000 Genomes Project 30x 0.03279; 1000 Genomes Project 0.02216.

Submission:

Illumina Laboratory Services, Illumina
Classification: Benign for Erythrocytosis, familial, 3. Last evaluated: 2018-01-13. Review status: criteria provided, single submitter. Criteria: ICSL Variant Classification Criteria 13 December 2019. Collection method: clinical testing. Allele origin: germline.
Comment: This variant was observed in the ICSL laboratory as part of a predisposition screen in an ostensibly healthy population. It had not been previously curated by ICSL or reported in the Human Gene Mutation Database (HGMD: prior to June 1st, 2018), and was therefore a candidate for classification through an automated scoring system. Utilizing variant allele frequency, disease prevalence and penetrance estimates, and inheritance mode, an automated score was calculated to assess if this variant is too frequent to cause the disease. Based on the score and internal cut-off values, a variant classified as benign is not then subjected to further curation. The score for this variant resulted in a classification of benign for this disease.